The following is an entry in ClinVar:

ClinVar aggregate classification (germline): Uncertain significance. Review status: criteria provided, multiple submitters, no conflicts (2 of 4 stars). 2 submissions from 2 submitters: Uncertain significance (2). Last evaluated 2023-02-03.

Conditions:
Epilepsy, childhood absence, susceptibility to, 5. Identifiers: Orphanet 64280, MedGen C2677087, MONDO:0012843, OMIM 612269.
Epilepsy, childhood absence, susceptibility to, 1. Also called: Epilepsy, childhood absence 1. Identifiers: Orphanet 64280, MedGen C1838604, MONDO:0020759, OMIM 600131.

Allele frequency attached by ClinVar (database versions not stated): gnomAD exomes below 0.00001; TOPMed below 0.00001; gnomAD 0.00001.
gnomAD v4.1: 3 of 1,614,014 alleles (0.00019%); highest among the groups gnomAD compares: Non-Finnish European, 0.00025%; no homozygotes.

Submissions (2):

Labcorp Genetics (formerly Invitae), Labcorp
Classification: Uncertain significance for Epilepsy, childhood absence, susceptibility to, 5; Epilepsy, childhood absence, susceptibility to, 1. Last evaluated: 2023-02-03. Review status: criteria provided, single submitter. Criteria: Invitae Variant Classification Sherloc (09022015). Collection method: clinical testing. Allele origin: germline.
Comment: This variant is not present in population databases (gnomAD no frequency). In summary, the available evidence is currently insufficient to determine the role of this variant in disease. Therefore, it has been classified as a Variant of Uncertain Significance. Advanced modeling of protein sequence and biophysical properties (such as structural, functional, and spatial information, amino acid conservation, physicochemical variation, residue mobility, and thermodynamic stability) performed at Invitae indicates that this missense variant is expected to disrupt GABRB3 protein function. This missense change has been observed in individual(s) with epilepsy (PMID: 31164858). This sequence change replaces arginine, which is basic and polar, with glutamine, which is neutral and polar, at codon 294 of the GABRB3 protein (p.Arg294Gln).

GeneDx
Classification: Uncertain significance. Last evaluated: 2022-11-22. Review status: criteria provided, single submitter. Criteria: GeneDx Variant Classification Process June 2021. Collection method: clinical testing. Allele origin: germline. Affected: yes.
Comment: Reported as a variant of uncertain significance in a child with focal epilepsy and speech delay in published literature (Demos M et al., 2019); Not observed at significant frequency in large population cohorts (gnomAD); In silico analysis supports that this missense variant has a deleterious effect on protein structure/function; This variant is associated with the following publications: (PMID: 31164858)

Literature cited by the submitters: PubMed 31164858 (cited by Labcorp Genetics (formerly Invitae), Labcorp).

NM_000814.6(GABRB3):c.881G>A (p.Arg294Gln)

Gene: GABRB3 (gamma-aminobutyric acid type A receptor subunit beta3; minus strand). Cytogenetic location: 15q12.
Variant type: single nucleotide variant.
Coding change: c.881G>A on transcript NM_000814.6 (MANE Select); coding-DNA position 881, G replaced by A.
Protein change: p.Arg294Gln; replaces arginine 294 with glutamine.
Molecular consequence: missense variant.
Genome position (GRCh38, 1-based): chr15:26,561,131, C>T on the plus strand (G>A on the coding strand, the complement: GABRB3 is on the minus strand). VCF-style: chr15-26561131-C-T. GRCh37 (hg19) VCF-style: chr15-26806278-C-T.
Other names: c.881G>A (NM_000814.5); c.626G>A, p.Arg209Gln (NM_001191320.2, NM_001278631.2); c.668G>A, p.Arg223Gln (NM_001191321.3); c.881G>A, p.Arg294Gln (NM_021912.5); short protein forms R209Q, R223Q, R294Q.
Identifiers: ClinVar variation 2419058 (VCV002419058.6), dbSNP rs1085308023, ClinGen allele CA391462259.